The following is an entry in ClinVar:

ClinVar aggregate classification (germline): Likely pathogenic (1 of 4 stars; one submission).

Conditions:
Methylcobalamin deficiency type cblE (HMAE). Also called: HOMOCYSTINURIA-MEGALOBLASTIC ANEMIA, cblE COMPLEMENTATION TYPE; VITAMIN B12-RESPONSIVE HOMOCYSTINURIA, cblE TYPE; HOMOCYSTINURIA-MEGALOBLASTIC ANEMIA, cblE TYPE. Identifiers: Orphanet 2169, Orphanet 622, MedGen C1856057, MONDO:0009354, OMIM 236270.

Allele frequency attached by ClinVar (database versions not stated): TOPMed below 0.00001.

Submission:

Labcorp Genetics (formerly Invitae), Labcorp
Classification: Likely pathogenic for Methylcobalamin deficiency type cblE. Last evaluated: 2021-08-09. Review status: criteria provided, single submitter. Criteria: Invitae Variant Classification Sherloc (09022015). Collection method: clinical testing. Allele origin: germline.
Comment: This sequence change affects a donor splice site in intron 8 of the MTRR gene. It is expected to disrupt RNA splicing. Variants that disrupt the donor or acceptor splice site typically lead to a loss of protein function (PMID: 16199547), and loss-of-function variants in MTRR are known to be pathogenic (PMID: 15714522). This variant is not present in population databases (ExAC no frequency). This variant has not been reported in the literature in individuals affected with MTRR-related conditions. Algorithms developed to predict the effect of sequence changes on RNA splicing suggest that this variant may disrupt the consensus splice site. In summary, the currently available evidence indicates that the variant is pathogenic, but additional data are needed to prove that conclusively. Therefore, this variant has been classified as Likely Pathogenic.

Literature cited by the submitters: PubMed 16199547; PubMed 15714522.

NM_002454.3(MTRR):c.1146+1G>C

Gene: MTRR (5-methyltetrahydrofolate-homocysteine methyltransferase reductase; plus strand). Cytogenetic location: 5p15.31.
Variant type: single nucleotide variant.
Coding change: c.1146+1G>C on transcript NM_002454.3 (MANE Select); the canonical splice donor site of the intron after coding-DNA position 1146, G replaced by C.
Molecular consequence: splice donor variant. On other transcripts: non-coding transcript variant (4).
Genome position (GRCh38, 1-based): chr5:7,886,704, G>C. VCF-style: chr5-7886704-G-C. GRCh37 (hg19) VCF-style: chr5-7886817-G-C.
Other names: c.1146+1G>C (NM_001364440.2, NM_001364441.2, NM_001364442.2 and 1 more transcripts).
Identifiers: ClinVar variation 1505244 (VCV001505244.6), dbSNP rs772608494, ClinGen allele CA359158270.
Genomic context (GRCh38, chr5:7,886,704, plus strand): 5'-GGATGTTCTCTCCAGTTCATTTTTACCTGGTGTCTTGAAATCCGAGCAATTCCTAAAAAG[G>C]TATTTTTTTCTGTCTTCTTCAGGTAACTATTTTAAAATATGCTTAGCTTTATTTAGGATT-3'